The following is an entry in ClinVar:

NM_001267550.2(TTN):c.3103T>G (p.Ser1035Ala)

Gene: TTN (titin; minus strand). Cytogenetic location: 2q31.2.
Variant type: single nucleotide variant.
Coding change: c.3103T>G on transcript NM_001267550.2 (MANE Select); coding-DNA position 3103, T replaced by G.
Protein change: p.Ser1035Ala; replaces serine 1035 with alanine.
Molecular consequence: missense variant.
Genome position (GRCh38, 1-based): chr2:178,782,600, A>C on the plus strand (T>G on the coding strand, the complement: TTN is on the minus strand). VCF-style: chr2-178782600-A-C. GRCh37 (hg19) VCF-style: chr2-179647327-A-C.
Other names: c.2965T>G, p.Ser989Ala (NM_133437.4, NM_003319.4, NM_133432.3); c.3103T>G, p.Ser1035Ala (NM_001256850.1, NM_133378.4, NM_133379.5); short protein forms S1035A, S989A.
Identifiers: ClinVar variation 1326823 (VCV001326823.5), dbSNP rs762133521, ClinGen allele CA2005636.

ClinVar aggregate classification (germline): Conflicting classifications of pathogenicity. Review status: criteria provided, conflicting classifications (1 of 4 stars). 3 submissions from 3 submitters: Uncertain significance (2); Likely benign (1). Last evaluated 2026-06-12.

Conditions:
Cardiovascular phenotype. Identifiers: MedGen CN230736.

Allele frequency attached by ClinVar (database versions not stated): gnomAD 0.00003 and 0.00004; TOPMed 0.00003.
gnomAD v4.1: 38 of 1,613,810 alleles (0.0024%); highest among the groups gnomAD compares: African/African-American, 0.0013%; 1 homozygote.

Submissions (3):

Women's Health and Genetics/Laboratory Corporation of America, LabCorp
Classification: Uncertain significance. Last evaluated: 2026-06-12. Review status: criteria provided, single submitter. Criteria: LabCorp Variant Classification Summary - May 2015. Collection method: clinical testing. Allele origin: germline.

GeneDx
Classification: Likely benign. Last evaluated: 2021-05-24. Review status: criteria provided, single submitter. Criteria: GeneDx Variant Classification Process June 2021. Collection method: clinical testing. Allele origin: germline. Affected: yes.

Ambry Genetics
Classification: Uncertain significance for Cardiovascular phenotype. Last evaluated: 2018-08-31. Review status: criteria provided, single submitter. Criteria: Ambry Variant Classification Scheme 2023. Collection method: clinical testing. Allele origin: germline.
Comment: The p.S989A variant (also known as c.2965T>G), located in coding exon 17 of the TTN gene, results from a T to G substitution at nucleotide position 2965. The serine at codon 989 is replaced by alanine, an amino acid with similar properties. This amino acid position is highly conserved in available vertebrate species. In addition, this alteration is predicted to be tolerated by in silico analysis. Since supporting evidence is limited at this time, the clinical significance of this alteration remains unclear.